The following is an entry in ClinVar:

ClinVar aggregate classification (germline): Uncertain significance. Review status: criteria provided, multiple submitters, no conflicts (2 of 4 stars). 3 submissions from 3 submitters: Uncertain significance (3). Last evaluated 2024-08-07.

Conditions:
Inborn genetic diseases. Identifiers: MedGen C0950123, MeSH D030342.
Autosomal dominant limb-girdle muscular dystrophy type 1D (DNAJB6) (LGMDD1). Also called: Autosomal dominant limb-girdle muscular dystrophy type 1D; Muscular dystrophy, limb-girdle, autosomal dominant 1; MUSCULAR DYSTROPHY, AUTOSOMAL DOMINANT, WITH RIMMED VACUOLES; MUSCULAR DYSTROPHY, LIMB-GIRDLE, TYPE 1D. Identifiers: Orphanet 34516, MedGen C4721885, MONDO:0021018, OMIM 603511.

Allele frequency attached by ClinVar (database versions not stated): ExAC 0.00004; gnomAD 0.00004 and 0.00005; gnomAD exomes 0.00004 and 0.00006; TOPMed 0.00005; 1000 Genomes Project 0.00020; 1000 Genomes Project 30x 0.00047.
gnomAD v4.1: 91 of 1,586,150 alleles (0.0057%); highest among the groups gnomAD compares: Non-Finnish European, 0.0071%; no homozygotes.

Submissions (3):

Athena Diagnostics
Classification: Uncertain significance. Last evaluated: 2024-08-07. Review status: criteria provided, single submitter. Criteria: Athena Diagnostics Criteria. Collection method: clinical testing. Allele origin: unknown.
Comment: Available data are insufficient to determine the clinical significance of the variant at this time. The frequency of this variant in the general population is higher than would generally be expected for pathogenic variants in this gene. Polyphen and MutationTaster yielded discordant predictions regarding whether this amino acid change is damaging to the protein.

Labcorp Genetics (formerly Invitae), Labcorp
Classification: Uncertain significance for Autosomal dominant limb-girdle muscular dystrophy type 1D (DNAJB6). Last evaluated: 2022-10-28. Review status: criteria provided, single submitter. Criteria: Invitae Variant Classification Sherloc (09022015). Collection method: clinical testing. Allele origin: germline.
Comment: This sequence change replaces phenylalanine, which is neutral and non-polar, with leucine, which is neutral and non-polar, at codon 115 of the DNAJB6 protein (p.Phe115Leu). This variant is present in population databases (rs553650027, gnomAD 0.009%). This variant has not been reported in the literature in individuals affected with DNAJB6-related conditions. ClinVar contains an entry for this variant (Variation ID: 959575). Advanced modeling of protein sequence and biophysical properties (such as structural, functional, and spatial information, amino acid conservation, physicochemical variation, residue mobility, and thermodynamic stability) performed at Invitae indicates that this missense variant is not expected to disrupt DNAJB6 protein function. In summary, the available evidence is currently insufficient to determine the role of this variant in disease. Therefore, it has been classified as a Variant of Uncertain Significance.

Ambry Genetics
Classification: Uncertain significance for Inborn genetic diseases. Last evaluated: 2021-06-11. Review status: criteria provided, single submitter. Criteria: Ambry Variant Classification Scheme 2023. Collection method: clinical testing. Allele origin: germline.

Literature cited by the submitters: PubMed 35931773 (cited by Athena Diagnostics).

NM_058246.4(DNAJB6):c.343T>C (p.Phe115Leu)

Gene: DNAJB6 (DnaJ heat shock protein family (Hsp40) member B6; plus strand). Cytogenetic location: 7q36.3.
Variant type: single nucleotide variant.
Coding change: c.343T>C on transcript NM_058246.4 (MANE Select); coding-DNA position 343, T replaced by C.
Protein change: p.Phe115Leu; replaces phenylalanine 115 with leucine.
Molecular consequence: missense variant.
Genome position (GRCh38, 1-based): chr7:157,367,480, T>C. VCF-style: chr7-157367480-T-C. GRCh37 (hg19) VCF-style: chr7-157160174-T-C.
Other names: c.343T>C, p.Phe115Leu (NM_001363676.1, NM_005494.3); short protein forms F115L.
Identifiers: ClinVar variation 959575 (VCV000959575.10), dbSNP rs553650027, ClinGen allele CA4590460.
Genomic context (GRCh38, chr7:157,367,480, plus strand): 5'-AACCCAGATGATGTCTTCAGGGAATTTTTTGGTGGAAGGGACCCATTTTCATTTGACTTC[T>C]TTGGTAAGTTAATCACGTGGGTTGACTTGGTGTGTGTCCATGACCCAAATGAGGGCTTAC-3'
Protein context (NP_490647.1, residues 105-125): GGRDPFSFDF[Phe115Leu]EDPFEDFFGN